The following is an entry in ClinVar:

ClinVar aggregate classification (germline): Uncertain significance. Review status: criteria provided, multiple submitters, no conflicts (2 of 4 stars). 2 submissions from 2 submitters: Uncertain significance (2). Last evaluated 2025-11-20.

Conditions:
MHC class I deficiency. Identifiers: Orphanet 34592, MedGen C6024714, MONDO:0011476.

Allele frequency attached by ClinVar (database versions not stated): gnomAD 0.00001 and 0.00002; TOPMed 0.00002; ExAC 0.00003; 1000 Genomes Project 30x 0.00031; 1000 Genomes Project 0.00040; gnomAD exomes 0.00004 and 0.00001.
gnomAD v4.1: 25 of 1,614,190 alleles (0.0015%); highest among the groups gnomAD compares: East Asian, 0.029%; 1 homozygote.

Submissions (2):

Ambry Genetics
Classification: Uncertain significance. Last evaluated: 2025-11-20. Review status: criteria provided, single submitter. Criteria: Ambry Variant Classification Scheme 2023. Collection method: clinical testing. Allele origin: germline.

Labcorp Genetics (formerly Invitae), Labcorp
Classification: Uncertain significance for MHC class I deficiency 1. Last evaluated: 2024-12-16. Review status: criteria provided, single submitter. Criteria: Invitae Variant Classification Sherloc (09022015). Collection method: clinical testing. Allele origin: germline.
Comment: This sequence change replaces asparagine, which is neutral and polar, with serine, which is neutral and polar, at codon 253 of the TAPBP protein (p.Asn253Ser). This variant is present in population databases (rs538568209, gnomAD 0.03%). This variant has not been reported in the literature in individuals affected with TAPBP-related conditions. ClinVar contains an entry for this variant (Variation ID: 1446913). An algorithm developed to predict the effect of missense changes on protein structure and function (PolyPhen-2) suggests that this variant is likely to be disruptive. In summary, the available evidence is currently insufficient to determine the role of this variant in disease. Therefore, it has been classified as a Variant of Uncertain Significance.

NM_003190.5(TAPBP):c.758A>G (p.Asn253Ser)

Gene: TAPBP (TAP binding protein; minus strand). Cytogenetic location: 6p21.32.
Variant type: single nucleotide variant.
Coding change: c.758A>G on transcript NM_003190.5 (MANE Select); coding-DNA position 758, A replaced by G.
Protein change: p.Asn253Ser; replaces asparagine 253 with serine.
Molecular consequence: missense variant.
Genome position (GRCh38, 1-based): chr6:33,305,099, T>C on the plus strand (A>G on the coding strand, the complement: TAPBP is on the minus strand). VCF-style: chr6-33305099-T-C. GRCh37 (hg19) VCF-style: chr6-33272876-T-C.
Other names: c.758A>G, p.Asn253Ser (NM_172208.3); c.497A>G, p.Asn166Ser (NM_172209.3); c.758A>G (NM_003190.4); short protein forms N166S, N253S.
Identifiers: ClinVar variation 1446913 (VCV001446913.9), dbSNP rs538568209, ClinGen allele CA3755811.